The following is an entry in ClinVar:

ClinVar aggregate classification (germline): Uncertain significance (1 of 4 stars; one submission).

Allele frequency attached by ClinVar (database versions not stated): gnomAD exomes below 0.00001; TOPMed below 0.00001; ExAC 0.00001.
gnomAD v4.1: 5 of 1,613,846 alleles (0.00031%); highest among the groups gnomAD compares: East Asian, 0.0022%; no homozygotes.

Submission:

Labcorp Genetics (formerly Invitae), Labcorp
Classification: Uncertain significance. Last evaluated: 2022-11-22. Review status: criteria provided, single submitter. Criteria: Invitae Variant Classification Sherloc (09022015). Collection method: clinical testing. Allele origin: germline.
Comment: In summary, the available evidence is currently insufficient to determine the role of this variant in disease. Therefore, it has been classified as a Variant of Uncertain Significance. Algorithms developed to predict the effect of missense changes on protein structure and function are either unavailable or do not agree on the potential impact of this missense change (SIFT: "Deleterious"; PolyPhen-2: "Benign"; Align-GVGD: "Class C0"). This variant has not been reported in the literature in individuals affected with CLCN6-related conditions. This variant is not present in population databases (gnomAD no frequency). This sequence change replaces arginine, which is basic and polar, with histidine, which is basic and polar, at codon 640 of the CLCN6 protein (p.Arg640His).

NM_001286.5(CLCN6):c.1919G>A (p.Arg640His)

Gene: CLCN6 (chloride voltage-gated channel 6; plus strand). Cytogenetic location: 1p36.22.
Variant type: single nucleotide variant.
Coding change: c.1919G>A on transcript NM_001286.5 (MANE Select); coding-DNA position 1919, G replaced by A.
Protein change: p.Arg640His; replaces arginine 640 with histidine.
Molecular consequence: missense variant. On other transcripts: non-coding transcript variant (1).
Genome position (GRCh38, 1-based): chr1:11,836,092, G>A. VCF-style: chr1-11836092-G-A. GRCh37 (hg19) VCF-style: chr1-11896149-G-A.
Other names: c.1853G>A, p.Arg618His (NM_001256959.2); short protein forms R640H, R618H.
Identifiers: ClinVar variation 1972130 (VCV001972130.5), dbSNP rs749332456, ClinGen allele CA596647.